The following is an entry in ClinVar:

NM_000553.6(WRN):c.3616G>A (p.Glu1206Lys)

Gene: WRN (WRN RecQ like helicase; plus strand). Cytogenetic location: 8p12.
Variant type: single nucleotide variant.
Coding change: c.3616G>A on transcript NM_000553.6 (MANE Select); coding-DNA position 3616, G replaced by A.
Protein change: p.Glu1206Lys; replaces glutamic acid 1206 with lysine.
Molecular consequence: missense variant.
Genome position (GRCh38, 1-based): chr8:31,150,384, G>A. VCF-style: chr8-31150384-G-A. GRCh37 (hg19) VCF-style: chr8-31007900-G-A.
Other names: short protein forms E1206K.
Identifiers: ClinVar variation 946018 (VCV000946018.5), dbSNP rs746082406, ClinGen allele CA370927624.

ClinVar aggregate classification (germline): Uncertain significance (1 of 4 stars; one submission).

Conditions:
Werner syndrome (WRN). Identifiers: Orphanet 902, MedGen C0043119, MONDO:0010196, OMIM 277700.

Submission:

Labcorp Genetics (formerly Invitae), Labcorp
Classification: Uncertain significance for Werner syndrome. Last evaluated: 2019-08-20. Review status: criteria provided, single submitter. Criteria: Invitae Variant Classification Sherloc (09022015). Collection method: clinical testing. Allele origin: germline.
Comment: In summary, the available evidence is currently insufficient to determine the role of this variant in disease. Therefore, it has been classified as a Variant of Uncertain Significance. Algorithms developed to predict the effect of missense changes on protein structure and function are either unavailable or do not agree on the potential impact of this missense change (SIFT: "Deleterious"; PolyPhen-2: "Probably Damaging"; Align-GVGD: "Class C0"). This variant has not been reported in the literature in individuals with WRN-related conditions. This variant is not present in population databases (ExAC no frequency). This sequence change replaces glutamic acid with lysine at codon 1206 of the WRN protein (p.Glu1206Lys). The glutamic acid residue is highly conserved and there is a small physicochemical difference between glutamic acid and lysine.